The following is an entry in ClinVar:

NM_004259.7(RECQL5):c.1586-7_1586-5dup

Gene: RECQL5 (RecQ like helicase 5; minus strand). Cytogenetic location: 17q25.1.
Variant type: Duplication.
Coding change: c.1586-7_1586-5dup on transcript NM_004259.7 (MANE Select); 7 bases into the intron before coding-DNA position 1586 through 5 bases into the intron before coding-DNA position 1586, 3 bases duplicated (CCC; older notation c.1586-7_1586-5dupCCC).
Molecular consequence: intron variant.
Genome position (GRCh38, 1-based): chr17:75,630,842-75,630,844, GGG duplicated on the plus strand (CCC on the coding strand, the reverse complement: RECQL5 is on the minus strand); duplicating any 3 consecutive bases within chr17:75,630,842-75,630,853 gives the same sequence; the c. name uses the placement nearest the transcript's 3' end. VCF-style (leftmost placement, unchanged base first): chr17-75630841-T-TGGG. GRCh37 (hg19) VCF-style: chr17-73626921-T-TGGG.
Identifiers: ClinVar variation 3037204 (VCV003037204.2), dbSNP rs55982817, ClinGen allele CA8767372.

ClinVar aggregate classification (germline): Benign (0 of 4 stars; one submission).

Conditions:
RECQL5-related disorder. Also called: RECQL5-related condition.

Submission:

PreventionGenetics, part of Exact Sciences
Classification: Benign for RECQL5-related condition. Last evaluated: 2019-12-09. Review status: no assertion criteria provided. Collection method: clinical testing. Allele origin: germline.
Comment: This variant is classified as benign based on ACMG/AMP sequence variant interpretation guidelines (Richards et al. 2015 PMID: 25741868, with internal and published modifications).